The following is an entry in ClinVar:

ClinVar aggregate classification (germline): Uncertain significance (1 of 4 stars; one submission).

Conditions:
BAP1-related tumor predisposition syndrome (TPDS1). Also called: Tumor susceptibility linked to germline BAP1 mutations; COMMON Syndrome; TUMOR PREDISPOSITION SYNDROME 1; BAP1 tumor predisposition syndrome. Identifiers: Orphanet 289539, MedGen C3280492, MONDO:0013692, OMIM 614327.

Submission:

Labcorp Genetics (formerly Invitae), Labcorp
Classification: Uncertain significance for BAP1-related tumor predisposition syndrome. Last evaluated: 2025-05-28. Review status: criteria provided, single submitter. Criteria: Invitae Variant Classification Sherloc (09022015). Collection method: clinical testing. Allele origin: germline.
Comment: This sequence change replaces asparagine, which is neutral and polar, with tyrosine, which is neutral and polar, at codon 443 of the BAP1 protein (p.Asn443Tyr). This variant is not present in population databases (gnomAD no frequency). This variant has not been reported in the literature in individuals affected with BAP1-related conditions. ClinVar contains an entry for this variant (Variation ID: 2734538). Invitae Evidence Modeling of protein sequence and biophysical properties (such as structural, functional, and spatial information, amino acid conservation, physicochemical variation, residue mobility, and thermodynamic stability) indicates that this missense variant is not expected to disrupt BAP1 protein function with a negative predictive value of 80%. In summary, the available evidence is currently insufficient to determine the role of this variant in disease. Therefore, it has been classified as a Variant of Uncertain Significance.

NM_004656.4(BAP1):c.1327A>T (p.Asn443Tyr)

Gene: BAP1 (BRCA1 associated deubiquitinase 1; minus strand). Cytogenetic location: 3p21.1.
Variant type: single nucleotide variant.
Coding change: c.1327A>T on transcript NM_004656.4 (MANE Select); coding-DNA position 1327, A replaced by T.
Protein change: p.Asn443Tyr; replaces asparagine 443 with tyrosine.
Molecular consequence: missense variant.
Genome position (GRCh38, 1-based): chr3:52,403,818, T>A on the plus strand (A>T on the coding strand, the complement: BAP1 is on the minus strand). VCF-style: chr3-52403818-T-A. GRCh37 (hg19) VCF-style: chr3-52437834-T-A.
Other names: c.1273A>T, p.Asn425Tyr (NM_001410772.1); short protein forms N425Y, N443Y.
Identifiers: ClinVar variation 2734538 (VCV002734538.3), dbSNP rs2471329960, ClinGen allele CA353102091.
Genomic context (GRCh38, chr3:52,403,818, plus strand): 5'-GAGGAATTGAGAGGTCCTTCTGGGACTCTTTGAGCTTCTCAGCCAAGACGTTGATGGTGT[T>A]GGGCTGCAGCACTGACAGTTGCCCATCAGCAGAACCGCTCAATGCCCCTGGCTTCCCTGT-3'
Protein context (NP_004647.1, residues 433-453): ADGQLSVLQP[Asn443Tyr]TINVLAEKLK